The following is an entry in ClinVar:

ClinVar aggregate classification (germline): Uncertain significance (1 of 4 stars; one submission).

Allele frequency attached by ClinVar (database versions not stated): gnomAD exomes 0.00002; ExAC 0.00005; gnomAD 0.00005; TOPMed 0.00006; ESP Exome Variant Server 0.00015.
gnomAD v4.1: 42 of 1,613,648 alleles (0.0026%); highest among the groups gnomAD compares: African/African-American, 0.0093%; no homozygotes.

Submission:

Labcorp Genetics (formerly Invitae), Labcorp
Classification: Uncertain significance. Last evaluated: 2025-10-27. Review status: criteria provided, single submitter. Criteria: Invitae Variant Classification Sherloc (09022015). Collection method: clinical testing. Allele origin: germline.
Comment: This sequence change replaces arginine, which is basic and polar, with tryptophan, which is neutral and slightly polar, at codon 969 of the DUOX2 protein (p.Arg969Trp). This variant is present in population databases (rs375112603, gnomAD 0.02%). This variant has not been reported in the literature in individuals affected with DUOX2-related conditions. ClinVar contains an entry for this variant (Variation ID: 2070480). Invitae Evidence Modeling of protein sequence and biophysical properties (such as structural, functional, and spatial information, amino acid conservation, physicochemical variation, residue mobility, and thermodynamic stability) indicates that this missense variant is not expected to disrupt DUOX2 protein function with a negative predictive value of 80%. In summary, the available evidence is currently insufficient to determine the role of this variant in disease. Therefore, it has been classified as a Variant of Uncertain Significance.

NM_001363711.2(DUOX2):c.2905C>T (p.Arg969Trp)

Gene: DUOX2 (dual oxidase 2; minus strand). Cytogenetic location: 15q21.1.
Variant type: single nucleotide variant.
Coding change: c.2905C>T on transcript NM_001363711.2 (MANE Select); coding-DNA position 2905, C replaced by T.
Protein change: p.Arg969Trp; replaces arginine 969 with tryptophan.
Molecular consequence: missense variant.
Genome position (GRCh38, 1-based): chr15:45,101,221, G>A on the plus strand (C>T on the coding strand, the complement: DUOX2 is on the minus strand). VCF-style: chr15-45101221-G-A. GRCh37 (hg19) VCF-style: chr15-45393419-G-A.
Other names: c.2905C>T, p.Arg969Trp (NM_014080.5); short protein forms R969W.
Identifiers: ClinVar variation 2070480 (VCV002070480.3), dbSNP rs375112603, ClinGen allele CA7538097.